The following is an entry in ClinVar:

ClinVar aggregate classification (germline): Uncertain significance. Review status: criteria provided, multiple submitters, no conflicts (2 of 4 stars). 2 submissions from 2 submitters: Uncertain significance (2). Last evaluated 2023-12-16.

Conditions:
Epidermolysis bullosa simplex with nail dystrophy (EBS5D). Identifiers: MedGen C4225309, MONDO:0014661, OMIM 616487.
Autosomal recessive limb-girdle muscular dystrophy type 2Q (LGMDR17). Also called: MUSCULAR DYSTROPHY, LIMB-GIRDLE, AUTOSOMAL RECESSIVE 17. Identifiers: Orphanet 254361, MedGen C3150989, MONDO:0013390, OMIM 613723.
Epidermolysis bullosa simplex 5C, with pyloric atresia (EBS5C). Also called: PLEC1-Related Epidermolysis Bullosa with Pyloric Atresia; PLEC-Related Epidermolysis Bullosa with Pyloric Atresia; Epidermolysis bullosa simplex with pyloric atresia. Identifiers: Orphanet 158684, MedGen C2677349, MONDO:0012807, OMIM 612138.
Epidermolysis bullosa simplex 5B, with muscular dystrophy (EBS5B). Also called: Epidermolysis bullosa simplex with muscular dystrophy; EPIDERMOLYSIS BULLOSA SIMPLEX AND LIMB-GIRDLE MUSCULAR DYSTROPHY. Identifiers: Orphanet 257, MedGen C2931072, MONDO:0009181, OMIM 226670.
Epidermolysis bullosa simplex, Ogna type (EBS5A). Also called: EPIDERMOLYSIS BULLOSA SIMPLEX 5A, OGNA TYPE; Pidermolysis bullosa simplex 5A, Ogna type. Identifiers: Orphanet 79401, MedGen C0432317, MONDO:0007555, OMIM 131950.

Submissions (2):

Revvity Omics, Revvity
Classification: Uncertain significance. Last evaluated: 2023-12-16. Review status: criteria provided, single submitter. Criteria: ACMG Guidelines, 2015. Collection method: clinical testing. Allele origin: germline.

Labcorp Genetics (formerly Invitae), Labcorp
Classification: Uncertain significance for Autosomal recessive limb-girdle muscular dystrophy type 2Q; Epidermolysis bullosa simplex, Ogna type; Epidermolysis bullosa simplex with nail dystrophy; Epidermolysis bullosa simplex 5C, with pyloric atresia; Epidermolysis bullosa simplex 5B, with muscular dystrophy. Last evaluated: 2023-12-15. Review status: criteria provided, single submitter. Criteria: Invitae Variant Classification Sherloc (09022015). Collection method: clinical testing. Allele origin: germline.
Comment: This sequence change replaces leucine, which is neutral and non-polar, with proline, which is neutral and non-polar, at codon 479 of the PLEC protein (p.Leu479Pro). This variant is not present in population databases (gnomAD no frequency). This variant has not been reported in the literature in individuals affected with PLEC-related conditions. Experimental studies and prediction algorithms are not available or were not evaluated, and the functional significance of this variant is currently unknown. In summary, the available evidence is currently insufficient to determine the role of this variant in disease. Therefore, it has been classified as a Variant of Uncertain Significance.

NM_201384.3(PLEC):c.1355T>C (p.Leu452Pro)

Gene: PLEC (plectin; minus strand). Cytogenetic location: 8q24.3.
Variant type: single nucleotide variant.
Coding change: c.1355T>C on transcript NM_201384.3 (MANE Select); coding-DNA position 1355, T replaced by C.
Protein change: p.Leu452Pro; replaces leucine 452 with proline.
Molecular consequence: missense variant.
Genome position (GRCh38, 1-based): chr8:143,933,260, A>G on the plus strand (T>C on the coding strand, the complement: PLEC is on the minus strand). VCF-style: chr8-143933260-A-G. GRCh37 (hg19) VCF-style: chr8-145007428-A-G.
Other names: c.1367T>C, p.Leu456Pro (NM_201383.3); c.1436T>C, p.Leu479Pro (NM_000445.5, NM_001410941.1); c.1313T>C, p.Leu438Pro (NM_201378.4); c.1289T>C, p.Leu430Pro (NM_201379.3); c.1766T>C, p.Leu589Pro (NM_201380.4); c.1259T>C, p.Leu420Pro (NM_201381.3); c.1355T>C, p.Leu452Pro (NM_201382.4); short protein forms L589P, L420P, L430P, L438P, L452P, L456P, L479P.
Identifiers: ClinVar variation 2954507 (VCV002954507.4), dbSNP rs2538893201, ClinGen allele CA372582198.